The following is an entry in ClinVar:

ClinVar aggregate classification (germline): Uncertain significance. Review status: criteria provided, single submitter (1 of 4 stars). 2 submissions from 2 submitters: Uncertain significance (1). 1 of the submissions does not count toward it. Last evaluated 2021-10-10.

Conditions:
KLHL24-related disorder. Also called: KLHL24-related condition.

Allele frequency attached by ClinVar (database versions not stated): gnomAD exomes below 0.00001 and 0.00002; ExAC 0.00001; gnomAD 0.00003; TOPMed 0.00003.
gnomAD v4.1: 10 of 1,613,940 alleles (0.00062%); highest among the groups gnomAD compares: Middle Eastern, 0.016%; no homozygotes.

Submissions (2):

Labcorp Genetics (formerly Invitae), Labcorp
Classification: Uncertain significance. Last evaluated: 2021-10-10. Review status: criteria provided, single submitter. Criteria: Invitae Variant Classification Sherloc (09022015). Collection method: clinical testing. Allele origin: germline.
Comment: This sequence change replaces alanine with valine at codon 438 of the KLHL24 protein (p.Ala438Val). The alanine residue is highly conserved and there is a small physicochemical difference between alanine and valine. This variant is present in population databases (rs769048883, ExAC 0.01%). This variant has not been reported in the literature in individuals affected with KLHL24-related conditions. Algorithms developed to predict the effect of missense changes on protein structure and function are either unavailable or do not agree on the potential impact of this missense change (SIFT: "Deleterious"; PolyPhen-2: "Benign"; Align-GVGD: "Class C0"). In summary, the available evidence is currently insufficient to determine the role of this variant in disease. Therefore, it has been classified as a Variant of Uncertain Significance.

PreventionGenetics, part of Exact Sciences
Classification: Uncertain significance for KLHL24-related condition. Last evaluated: 2024-07-10. Review status: no assertion criteria provided. Collection method: clinical testing. Allele origin: germline. Not counted in ClinVar's aggregate classification.
Comment: The KLHL24 c.1313C>T variant is predicted to result in the amino acid substitution p.Ala438Val. To our knowledge, this variant has not been reported in the literature. This variant is reported in 0.0058% of alleles in individuals of Latino descent in gnomAD. At this time, the clinical significance of this variant is uncertain due to the absence of conclusive functional and genetic evidence.

NM_017644.3(KLHL24):c.1313C>T (p.Ala438Val)

Gene: KLHL24 (kelch like family member 24; plus strand). Cytogenetic location: 3q27.1.
Variant type: single nucleotide variant.
Coding change: c.1313C>T on transcript NM_017644.3 (MANE Select); coding-DNA position 1313, C replaced by T.
Protein change: p.Ala438Val; replaces alanine 438 with valine.
Molecular consequence: missense variant. On other transcripts: non-coding transcript variant (2).
Genome position (GRCh38, 1-based): chr3:183,671,122, C>T. VCF-style: chr3-183671122-C-T. GRCh37 (hg19) VCF-style: chr3-183388910-C-T.
Other names: c.1388C>T, p.Ala463Val (NM_001349413.1, NM_001349414.1, NM_001349415.1 and 3 more transcripts); c.1313C>T, p.Ala438Val (NM_001349419.1, NM_001349420.1, NM_001349421.1 and 5 more transcripts); c.470C>T, p.Ala157Val (NM_001349428.1, NM_001349429.1); short protein forms A157V, A463V, A438V.
Identifiers: ClinVar variation 1511821 (VCV001511821.7), dbSNP rs769048883, ClinGen allele CA2721723.
Genomic context (GRCh38, chr3:183,671,122, plus strand): 5'-AAAACAGACTTAGCAGCGTAGAATGTTATGATTCCTTTTCAAATCGATGGACTGAAGTTG[C>T]TCCCCTTAAGGAAGCCGTGAGTTCTCCTGCAGTGACTAGCTGTGTAGGCAAACTGTTTGT-3'
Protein context (NP_060114.2, residues 428-448): DSFSNRWTEV[Ala438Val]PLKEAVSSPA